The following is an entry in ClinVar:

NM_016630.7(SPG21):c.509C>T (p.Ser170Phe)

Gene: SPG21 (SPG21 abhydrolase domain containing, maspardin; minus strand). Cytogenetic location: 15q22.31.
Variant type: single nucleotide variant.
Coding change: c.509C>T on transcript NM_016630.7 (MANE Select); coding-DNA position 509, C replaced by T.
Protein change: p.Ser170Phe; replaces serine 170 with phenylalanine.
Molecular consequence: missense variant.
Genome position (GRCh38, 1-based): chr15:64,970,166, G>A on the plus strand (C>T on the coding strand, the complement: SPG21 is on the minus strand). VCF-style: chr15-64970166-G-A. GRCh37 (hg19) VCF-style: chr15-65262504-G-A.
Other names: c.509C>T, p.Ser170Phe (NM_001127889.5); c.428C>T, p.Ser143Phe (NM_001127890.5); short protein forms S143F, S170F.
Identifiers: ClinVar variation 2164522 (VCV002164522.4), dbSNP rs2506097972, ClinGen allele CA392868103.

ClinVar aggregate classification (germline): Uncertain significance (1 of 4 stars; one submission).

Conditions:
Mast syndrome. Also called: SPASTIC PARAPLEGIA 21, AUTOSOMAL RECESSIVE. Identifiers: Orphanet 101001, MedGen C1855346, MONDO:0009568, OMIM 248900.

Submission:

Labcorp Genetics (formerly Invitae), Labcorp
Classification: Uncertain significance for Mast syndrome. Last evaluated: 2022-06-25. Review status: criteria provided, single submitter. Criteria: Invitae Variant Classification Sherloc (09022015). Collection method: clinical testing. Allele origin: germline.
Comment: This variant is not present in population databases (gnomAD no frequency). This sequence change replaces serine, which is neutral and polar, with phenylalanine, which is neutral and non-polar, at codon 170 of the SPG21 protein (p.Ser170Phe). This variant has not been reported in the literature in individuals affected with SPG21-related conditions. In summary, the available evidence is currently insufficient to determine the role of this variant in disease. Therefore, it has been classified as a Variant of Uncertain Significance. Algorithms developed to predict the effect of missense changes on protein structure and function are either unavailable or do not agree on the potential impact of this missense change (SIFT: "Deleterious"; PolyPhen-2: "Benign"; Align-GVGD: "Class C0").